The following is an entry in ClinVar:

NM_001367624.2(ZNF469):c.6015C>A (p.Asn2005Lys)

Gene: ZNF469 (zinc finger protein 469; plus strand). Cytogenetic location: 16q24.2.
Variant type: single nucleotide variant.
Coding change: c.6015C>A on transcript NM_001367624.2 (MANE Select); coding-DNA position 6015, C replaced by A.
Protein change: p.Asn2005Lys; replaces asparagine 2005 with lysine.
Molecular consequence: missense variant.
Genome position (GRCh38, 1-based): chr16:88,433,485, C>A. VCF-style: chr16-88433485-C-A. GRCh37 (hg19) VCF-style: chr16-88499893-C-A.
Other names: NM_001127464.1:c.5931C>A; short protein forms N2005K.
Identifiers: ClinVar variation 1750576 (VCV001750576.2), dbSNP rs914056509, ClinGen allele CA397103603.
Genomic context (GRCh38, chr16:88,433,485, plus strand): 5'-GCTTGGCCAAGCCGAGAAAACCCAGGGCCAAGGCACAGCCAACCAGCTTCAGCCAGAGAA[C>A]GGGGTGAGCCCAGGGGGCACGGACAACCACGCCTCAGTCAATGCCAGTCCCAAAACAGCG-3'
Protein context (NP_001354553.1, residues 1995-2015): QGTANQLQPE[Asn2005Lys]GVSPGGTDNH

ClinVar aggregate classification (germline): Uncertain significance (1 of 4 stars; one submission).

Conditions:
Cardiovascular phenotype. Identifiers: MedGen CN230736.

Submission:

Ambry Genetics
Classification: Uncertain significance for Cardiovascular phenotype. Last evaluated: 2021-09-07. Review status: criteria provided, single submitter. Criteria: Ambry Variant Classification Scheme 2023. Collection method: clinical testing. Allele origin: germline.
Comment: The p.N1977K variant (also known as c.5931C>A), located in coding exon 2 of the ZNF469 gene, results from a C to A substitution at nucleotide position 5931. The asparagine at codon 1977 is replaced by lysine, an amino acid with similar properties. This amino acid position is conserved. In addition, this alteration is predicted to be tolerated by in silico analysis. Since supporting evidence is limited at this time, the clinical significance of this alteration remains unclear.